The following is an entry in ClinVar:

ClinVar aggregate classification (germline): Benign/Likely benign. Review status: criteria provided, multiple submitters, no conflicts (2 of 4 stars). 10 submissions from 10 submitters: Benign (4); Likely benign (5). 1 of the submissions does not count toward it. Last evaluated 2026-08-01.

Conditions:
Ehlers-Danlos syndrome, dermatosparaxis type. Also called: Dermatosparaxis; Ehlers-Danlos syndrome, type VII, autosomal recessive; EDS VIIC. Identifiers: Orphanet 1901, MedGen C2700425, MONDO:0009161, OMIM 225410.
Ehlers-Danlos syndrome (EDS). Identifiers: Orphanet 98249, MedGen C0013720, MONDO:0020066.

Allele frequency attached by ClinVar (database versions not stated): 1000 Genomes Project 0.00180; 1000 Genomes Project 30x 0.00187; ESP Exome Variant Server 0.00293.
gnomAD v4.1: 4,987 of 1,594,590 alleles (0.31%); highest among the groups gnomAD compares: Non-Finnish European, 0.36%; 16 homozygotes.

Submissions (10):

CeGaT Center for Human Genetics Tuebingen
Classification: Likely benign. Last evaluated: 2026-08-01. Review status: criteria provided, single submitter. Criteria: CeGaT Center For Human Genetics Tuebingen Variant Classification Criteria Version 2. Collection method: clinical testing. Allele origin: germline. Affected: yes. Observed: 17 variant alleles.
Comment: ADAMTS2: BP4, BP7, BS2

Labcorp Genetics (formerly Invitae), Labcorp
Classification: Benign for Ehlers-Danlos syndrome, dermatosparaxis type. Last evaluated: 2026-02-04. Review status: criteria provided, single submitter. Criteria: Invitae Variant Classification Sherloc (09022015). Collection method: clinical testing. Allele origin: germline.

Blueprint Genetics
Classification: Likely benign. Last evaluated: 2024-11-18. Review status: criteria provided, single submitter. Criteria: ACMG Guidelines, 2015. Collection method: clinical testing. Allele origin: germline.

Mayo Clinic Laboratories, Mayo Clinic
Classification: Benign. Last evaluated: 2023-12-14. Review status: criteria provided, single submitter. Criteria: ACMG Guidelines, 2015. Collection method: clinical testing. Allele origin: germline. Observed: 29 variant alleles.
Comment: BS1, BS2, BP4, BP7

Women's Health and Genetics/Laboratory Corporation of America, LabCorp
Classification: Likely benign. Last evaluated: 2022-08-07. Review status: criteria provided, single submitter. Criteria: LabCorp Variant Classification Summary - May 2015. Collection method: clinical testing. Allele origin: germline.

Genome Diagnostics Laboratory, The Hospital for Sick Children
Classification: Benign for Ehlers-Danlos syndrome. Last evaluated: 2022-06-02. Review status: criteria provided, single submitter. Criteria: ACMG Guidelines, 2015. Collection method: clinical testing. Allele origin: germline.

Illumina Laboratory Services, Illumina
Classification: Likely benign for Ehlers-Danlos syndrome, dermatosparaxis type. Last evaluated: 2018-01-13. Review status: criteria provided, single submitter. Criteria: ICSL Variant Classification Criteria 13 December 2019. Collection method: clinical testing. Allele origin: germline.
Comment: This variant was observed in the ICSL laboratory as part of a predisposition screen in an ostensibly healthy population. It had not been previously curated by ICSL or reported in the Human Gene Mutation Database (HGMD: prior to June 1st, 2018), and was therefore a candidate for classification through an automated scoring system. Utilizing variant allele frequency, disease prevalence and penetrance estimates, and inheritance mode, an automated score was calculated to assess if this variant is too frequent to cause the disease. Based on the score and internal cut-off values, a variant classified as likely benign is not then subjected to further curation. The score for this variant resulted in a classification of likely benign for this disease.

GeneDx
Classification: Likely benign. Last evaluated: 2017-12-01. Review status: criteria provided, single submitter. Criteria: GeneDx Variant Classification (06012015). Collection method: clinical testing. Allele origin: germline. Affected: yes.
Comment: This variant is considered likely benign or benign based on one or more of the following criteria: it is a conservative change, it occurs at a poorly conserved position in the protein, it is predicted to be benign by multiple in silico algorithms, and/or has population frequency not consistent with disease.

Eurofins Ntd Llc (ga)
Classification: Benign. Last evaluated: 2017-01-17. Review status: criteria provided, single submitter. Criteria: EGL Classification Definitions 2015. Collection method: clinical testing. Allele origin: germline. Observed: 1 variant allele, 1 heterozygote.

Natera, Inc.
Classification: Benign for Ehlers-Danlos syndrome type VIIC. Last evaluated: 2019-10-21. Review status: no assertion criteria provided. Collection method: clinical testing. Allele origin: germline. Not counted in ClinVar's aggregate classification.

NM_014244.5(ADAMTS2):c.1308G>A (p.Ala436=)

Gene: ADAMTS2 (ADAM metallopeptidase with thrombospondin type 1 motif 2; minus strand). Cytogenetic location: 5q35.3.
Variant type: single nucleotide variant.
Coding change: c.1308G>A on transcript NM_014244.5 (MANE Select); coding-DNA position 1308, G replaced by A.
Protein change: p.Ala436=; no amino-acid change (alanine 436 retained).
Molecular consequence: synonymous variant.
Genome position (GRCh38, 1-based): chr5:179,154,123, C>T on the plus strand (G>A on the coding strand, the complement: ADAMTS2 is on the minus strand). VCF-style: chr5-179154123-C-T. GRCh37 (hg19) VCF-style: chr5-178581124-C-T.
Other names: p.Ala436=; c.1308G>A, p.Ala436= (NM_021599.4).
Identifiers: ClinVar variation 353123 (VCV000353123.66), dbSNP rs41285549, ClinGen allele CA3595968.